The following is an entry in ClinVar:

NM_018124.4(RFWD3):c.111G>C (p.Gln37His)

Gene: RFWD3 (ring finger and WD repeat domain 3; minus strand). Cytogenetic location: 16q23.1.
Variant type: single nucleotide variant.
Coding change: c.111G>C on transcript NM_018124.4 (MANE Select); coding-DNA position 111, G replaced by C.
Protein change: p.Gln37His; replaces glutamine 37 with histidine.
Molecular consequence: missense variant. On other transcripts: 5 prime UTR variant (4), intron variant (1).
Genome position (GRCh38, 1-based): chr16:74,661,339, C>G on the plus strand (G>C on the coding strand, the complement: RFWD3 is on the minus strand). VCF-style: chr16-74661339-C-G. GRCh37 (hg19) VCF-style: chr16-74695237-C-G.
Other names: c.111G>C, p.Gln37His (NM_001370534.1, NM_001370535.1, NM_001370536.1); c.-898G>C (NM_001370537.1); c.-521G>C (NM_001370539.1, NM_001370541.1); c.-775G>C (NM_001370542.1); c.-653G>C (NM_001370543.1); c.-317+3285G>C (NM_001370540.1); short protein forms Q37H.
Identifiers: ClinVar variation 2780886 (VCV002780886.3), dbSNP rs747413031, ClinGen allele CA8169645.
Genomic context (GRCh38, chr16:74,661,339, plus strand): 5'-AGGAGCTGGCTGGAGGATGGATGGTACCCCCTGGCTGCTGACCACATCAGCAGGAACAGG[C>G]TGGAGGAGGGCTGGTCCCCCTTGGCTGCTGGCCATGCCAGCAGGAGCTGGCTGTTGTTCG-3'
Protein context (NP_060594.3, residues 27-47): ASSQGGPALL[Gln37His]PVPADVVSSQ

ClinVar aggregate classification (germline): Uncertain significance (1 of 4 stars; one submission).

Allele frequency attached by ClinVar (database versions not stated): gnomAD 0.00001; TOPMed 0.00001; ExAC 0.00002.
gnomAD v4.1: 7 of 1,613,986 alleles (0.00043%); highest among the groups gnomAD compares: Non-Finnish European, 0.00051%; no homozygotes.

Submission:

Labcorp Genetics (formerly Invitae), Labcorp
Classification: Uncertain significance. Last evaluated: 2023-07-30. Review status: criteria provided, single submitter. Criteria: Invitae Variant Classification Sherloc (09022015). Collection method: clinical testing. Allele origin: germline.
Comment: In summary, the available evidence is currently insufficient to determine the role of this variant in disease. Therefore, it has been classified as a Variant of Uncertain Significance. An algorithm developed to predict the effect of missense changes on protein structure and function (PolyPhen-2) suggests that this variant is likely to be disruptive. This variant has not been reported in the literature in individuals affected with RFWD3-related conditions. This variant is present in population databases (rs747413031, gnomAD 0.002%). This sequence change replaces glutamine, which is neutral and polar, with histidine, which is basic and polar, at codon 37 of the RFWD3 protein (p.Gln37His).